The following is an entry in ClinVar:

NM_024577.4(SH3TC2):c.643T>C (p.Ser215Pro)

Gene: SH3TC2 (SH3 domain and tetratricopeptide repeats 2; minus strand). Cytogenetic location: 5q32.
Variant type: single nucleotide variant.
Coding change: c.643T>C on transcript NM_024577.4 (MANE Select); coding-DNA position 643, T replaced by C.
Protein change: p.Ser215Pro; replaces serine 215 with proline.
Molecular consequence: missense variant.
Genome position (GRCh38, 1-based): chr5:149,041,504, A>G on the plus strand (T>C on the coding strand, the complement: SH3TC2 is on the minus strand). VCF-style: chr5-149041504-A-G. GRCh37 (hg19) VCF-style: chr5-148421067-A-G.
Other names: short protein forms S215P.
Identifiers: ClinVar variation 1753551 (VCV001753551.6), dbSNP rs1327119560, ClinGen allele CA361674494.

ClinVar aggregate classification (germline): Uncertain significance. Review status: criteria provided, multiple submitters, no conflicts (2 of 4 stars). 2 submissions from 2 submitters: Uncertain significance (2). Last evaluated 2025-09-05.

Conditions:
Inborn genetic diseases. Identifiers: MedGen C0950123, MeSH D030342.
Charcot-Marie-Tooth disease type 4. Also called: Charcot-Marie-Tooth, Type 4; Charcot-Marie-Tooth disease, type IV. Identifiers: Orphanet 64749, MedGen C4082197, MONDO:0018995.

Allele frequency attached by ClinVar (database versions not stated): gnomAD exomes below 0.00001; TOPMed below 0.00001; gnomAD 0.00001.
gnomAD v4.1: 9 of 1,614,096 alleles (0.00056%); highest among the groups gnomAD compares: Admixed American, 0.0017%; no homozygotes.

Submissions (2):

Ambry Genetics
Classification: Uncertain significance for Inborn genetic diseases. Last evaluated: 2025-09-05. Review status: criteria provided, single submitter. Criteria: Ambry Variant Classification Scheme 2023. Collection method: clinical testing. Allele origin: germline.

Labcorp Genetics (formerly Invitae), Labcorp
Classification: Uncertain significance for Charcot-Marie-Tooth disease type 4. Last evaluated: 2022-11-29. Review status: criteria provided, single submitter. Criteria: Invitae Variant Classification Sherloc (09022015). Collection method: clinical testing. Allele origin: germline.
Comment: In summary, the available evidence is currently insufficient to determine the role of this variant in disease. Therefore, it has been classified as a Variant of Uncertain Significance. Advanced modeling of protein sequence and biophysical properties (such as structural, functional, and spatial information, amino acid conservation, physicochemical variation, residue mobility, and thermodynamic stability) performed at Invitae indicates that this missense variant is not expected to disrupt SH3TC2 protein function. This variant has not been reported in the literature in individuals affected with SH3TC2-related conditions. This variant is present in population databases (no rsID available, gnomAD 0.002%). This sequence change replaces serine, which is neutral and polar, with proline, which is neutral and non-polar, at codon 215 of the SH3TC2 protein (p.Ser215Pro).